The following is an entry in ClinVar:

ClinVar aggregate classification (germline): Uncertain significance (1 of 4 stars; one submission).

Conditions:
Hypertrophic cardiomyopathy. Also called: HYPERTROPHIC MYOCARDIOPATHY. Identifiers: Orphanet 217569, MedGen C0007194, MeSH D002312, MONDO:0005045, HP:0001639.

Allele frequency attached by ClinVar (database versions not stated): gnomAD exomes below 0.00001.
gnomAD v4.1: 1 of 1,614,072 alleles (0.000062%); highest among the groups gnomAD compares: Non-Finnish European, 0.000085%; no homozygotes.

Submission:

Labcorp Genetics (formerly Invitae), Labcorp
Classification: Uncertain significance for Hypertrophic cardiomyopathy. Last evaluated: 2019-02-25. Review status: criteria provided, single submitter. Criteria: Invitae Variant Classification Sherloc (09022015). Collection method: clinical testing. Allele origin: germline.
Comment: In summary, the available evidence is currently insufficient to determine the role of this variant in disease. Therefore, it has been classified as a Variant of Uncertain Significance. Algorithms developed to predict the effect of missense changes on protein structure and function are either unavailable or do not agree on the potential impact of this missense change (SIFT: "Deleterious"; PolyPhen-2: "Benign"; Align-GVGD: "Class C0"). This variant has not been reported in the literature in individuals with MYH7-related conditions. This variant is not present in population databases (ExAC no frequency). This sequence change replaces glutamic acid with aspartic acid at codon 5 of the MYH7 protein (p.Glu5Asp). The glutamic acid residue is moderately conserved and there is a small physicochemical difference between glutamic acid and aspartic acid.

NM_000257.4(MYH7):c.15G>C (p.Glu5Asp)

Gene: MYH7 (myosin heavy chain 7; minus strand). Cytogenetic location: 14q11.2.
Variant type: single nucleotide variant.
Coding change: c.15G>C on transcript NM_000257.4 (MANE Select); coding-DNA position 15, G replaced by C.
Protein change: p.Glu5Asp; replaces glutamic acid 5 with aspartic acid.
Molecular consequence: missense variant.
Genome position (GRCh38, 1-based): chr14:23,433,718, C>G on the plus strand (G>C on the coding strand, the complement: MYH7 is on the minus strand). VCF-style: chr14-23433718-C-G. GRCh37 (hg19) VCF-style: chr14-23902927-C-G.
Other names: short protein forms E5D.
Identifiers: ClinVar variation 856816 (VCV000856816.9), dbSNP rs1223890089, ClinGen allele CA389054221.
Genomic context (GRCh38, chr14:23,433,718, plus strand): 5'-TTCTAGCCGCTCCTTCTCTGACTTGCGCAGGTAGGGGGCGGCAGCCCCAAAGACTGCCAT[C>G]TCCGAATCTCCCATGGCTGTGCCTGGAGTGAGCAGAAGCTGGCTGCCCTCCCATCTGCCC-3'
Protein context (NP_000248.2, residues 1-15): MGDS[Glu5Asp]MAVFGAAAPY